The following is an entry in ClinVar:

ClinVar aggregate classification (germline): Pathogenic. Review status: reviewed by expert panel (3 of 4 stars). 9 submissions from 9 submitters: Pathogenic (1). 8 of the submissions do not count toward it. Last evaluated 2016-09-08.

Conditions:
Hereditary cancer-predisposing syndrome. Also called: Tumor predisposition; Neoplastic Syndromes, Hereditary; Hereditary Cancer Syndrome; Hereditary neoplastic syndrome. Identifiers: Orphanet 140162, MedGen C0027672, MeSH D009386, MONDO:0015356.
Hereditary breast ovarian cancer syndrome. Also called: Hereditary breast and ovarian cancer syndrome (HBOC); Hereditary breast and ovarian cancer syndrome; Hereditary breast and ovarian cancer; Hereditary breast and/or ovarian cancer syndrome; Breast and ovarian cancer; BRCA1- and BRCA2-Associated Hereditary Breast and Ovarian Cancer. Identifiers: Orphanet 145, MedGen C0677776, MeSH D061325, MONDO:0003582. Disease mechanism: loss of function.
Breast-ovarian cancer, familial, susceptibility to, 1 (BROVCA1). Also called: OVARIAN CANCER, SUSCEPTIBILITY TO; BRCA1 Hereditary Breast and Ovarian Cancer. Identifiers: Orphanet 145, MedGen C2676676, MONDO:0011450, OMIM 604370. Disease mechanism: loss of function.
Malignant tumor of breast. Also called: Malignant breast neoplasm; Cancer breast. Identifiers: MedGen C0006142, MONDO:0007254. Disease mechanism: loss of function.

Submissions (9):

Evidence-based Network for the Interpretation of Germline Mutant Alleles (ENIGMA)
Classification: Pathogenic for Breast-ovarian cancer, familial, susceptibility to, 1. Last evaluated: 2016-09-08. Review status: reviewed by expert panel. Criteria: ENIGMA BRCA1/2 Classification Criteria (2015). Collection method: curation. Allele origin: germline.
Comment: Variant allele predicted to encode a truncated non-functional protein.

Ambry Genetics
Classification: Pathogenic for Hereditary cancer-predisposing syndrome. Last evaluated: 2025-05-15. Review status: criteria provided, single submitter. Criteria: Ambry Variant Classification Scheme 2023. Collection method: clinical testing. Allele origin: germline. Not counted in ClinVar's aggregate classification.
Comment: The c.1508delA pathogenic mutation, located in coding exon 9 of the BRCA1 gene, results from a deletion of one nucleotide at nucleotide position 1508, causing a translational frameshift with a predicted alternate stop codon (p.K503Sfs*29). This alteration was identified in a large, worldwide study of BRCA1 and BRCA2 mutation positive families (Rebbeck TR et al. Hum. Mutat., 2018 05;39:593-620). In addition to the clinical data presented in the literature, this alteration is expected to result in loss of function by premature protein truncation or nonsense-mediated mRNA decay. As such, this alteration is interpreted as a disease-causing mutation.

Labcorp Genetics (formerly Invitae), Labcorp
Classification: Pathogenic for Hereditary breast ovarian cancer syndrome. Last evaluated: 2024-04-15. Review status: criteria provided, single submitter. Criteria: Invitae Variant Classification Sherloc (09022015). Collection method: clinical testing. Allele origin: germline. Not counted in ClinVar's aggregate classification.
Comment: This sequence change creates a premature translational stop signal (p.Lys503Serfs*29) in the BRCA1 gene. It is expected to result in an absent or disrupted protein product. Loss-of-function variants in BRCA1 are known to be pathogenic (PMID: 20104584). This variant is not present in population databases (gnomAD no frequency). This premature translational stop signal has been observed in individual(s) with breast and/or ovarian cancer (PMID: 36169650). ClinVar contains an entry for this variant (Variation ID: 54275). For these reasons, this variant has been classified as Pathogenic.

Color Diagnostics, LLC DBA Color Health
Classification: Pathogenic for Hereditary cancer-predisposing syndrome. Last evaluated: 2024-02-06. Review status: criteria provided, single submitter. Criteria: ACMG Guidelines, 2015. Collection method: clinical testing. Allele origin: germline. Not counted in ClinVar's aggregate classification.
Comment: This variant deletes 1 nucleotide in exon 10 of the BRCA1 gene, creating a frameshift and premature translation stop signal. This variant is expected to result in an absent or non-functional protein product. This variant has been reported in an individual affected with breast and ovarian cancer (doi: 10.20471/LO.2023.51.01.02). This variant has not been identified in the general population by the Genome Aggregation Database (gnomAD). Loss of BRCA1 function is a known mechanism of disease. Based on the available evidence, this variant is classified as Pathogenic.

GeneDx
Classification: Pathogenic. Last evaluated: 2018-06-27. Review status: criteria provided, single submitter. Criteria: GeneDx Variant Classification (06012015). Collection method: clinical testing. Allele origin: germline. Affected: yes. Not counted in ClinVar's aggregate classification.
Comment: This deletion of one nucleotide in BRCA1 is denoted c.1508delA at the cDNA level and p.Lys503SerfsX29 (K503SfsX29) at the protein level. Using alternate nomenclature, this variant would be defined as BRCA1 1627delA. The normal sequence, with the base that is deleted in brackets, is TTAA[delA]GCGT. The deletion causes a frameshift which changes a Lysine to a Serine at codon 503, and creates a premature stop codon at position 29 of the new reading frame. This variant is predicted to cause loss of normal protein function through either protein truncation or nonsense-mediated mRNA decay. BRCA1 c.1508delA has been reported in at least one individual from a hereditary breast/ovarian cancer family (Judkins 2005). We consider this variant to be pathogenic.

Women's Health and Genetics/Laboratory Corporation of America, LabCorp
Classification: Pathogenic for Hereditary breast ovarian cancer syndrome. Last evaluated: 2016-03-08. Review status: criteria provided, single submitter. Criteria: LabCorp Variant Classification Summary - May 2015. Collection method: clinical testing. Allele origin: germline. Not counted in ClinVar's aggregate classification.
Comment: Variant summary: This c.1508delA variant causes a frameshift, which alters the proteins amino acid sequence beginning at position 503 and leads to a premature termination codon 29 amino acids downstream. It is predicted to cause a truncated or absent BRCA1 protein. Loss-of-function due to mutations in this gene is an established disease mechanism in HBOC. This variant was not found in 121212 control chromosomes from ExAC but is reported in two individuals affected with HBOC or HBOC-related cancer. One reputable database has classified this variant as pathogenic. Truncations downstream of this position have been classified as pathogenic by our laboratory (e.g. p.Gln563X, p.Lys654X, p.Ser713X, etc.). Taken together, this variant been classified as pathogenic.

Consortium of Investigators of Modifiers of BRCA1/2 (CIMBA), c/o University of Cambridge
Classification: Pathogenic for Breast-ovarian cancer, familial, susceptibility to, 1. Last evaluated: 2015-10-02. Review status: criteria provided, single submitter. Criteria: CIMBA Mutation Classification guidelines May 2016. Collection method: clinical testing. Allele origin: germline. Not counted in ClinVar's aggregate classification.

Breast Cancer Information Core (BIC) (BRCA1)
Classification: Pathogenic for Breast-ovarian cancer, familial 1. Review status: no assertion criteria provided. Collection method: clinical testing. Allele origin: germline. Affected: yes. Observed: 1 variant allele. Not counted in ClinVar's aggregate classification.

Department of Pathology and Laboratory Medicine, Sinai Health System
Classification: Pathogenic for Malignant tumor of breast. Review status: no assertion criteria provided. Collection method: clinical testing. Allele origin: unknown. Affected: yes. Observed: 1 variant allele. Study: The Canadian Open Genetics Repository (COGR). Not counted in ClinVar's aggregate classification.
Comment: The p.Lys503SerfsX29 deletion variant was identified in the literature in at least one proband from a large cohort of patients tested for BRCA1 and BRCA2 mutations at Myriad Genetics Laboratories (Judkins 2005). The variant was identified in the dbSNP database (ID: rs80357506) â€šÃ„ÃºWith pathogenic alleleâ€šÃ„Ã¹, the BIC databsase (1X, classified as pathogenic), and in the ClinVar database with submissions by BIC and Invitae (classification not provided). The p.Lys503SerfsX29 variant is predicted to cause a frameshift, which alters the protein's amino acid sequence beginning at codon 503 and leads to a premature stop codon 29 codons downstream. This alteration is then predicted to result in a truncated or absent protein and loss of function. Loss of function variants of the BRCA1 gene are an established mechanism of disease in hereditary breast and ovarian cancer and is the type of variant expected to cause the disorder. In summary, based on the above information, this variant meets our laboratoryâ€šÃ„Ã´s criteria to be classified as pathogenic.

Literature cited by the submitters: PubMed 29446198 (cited by Ambry Genetics); PubMed 20104584 (cited by Labcorp Genetics (formerly Invitae), Labcorp); PubMed 36169650 (cited by Labcorp Genetics (formerly Invitae), Labcorp); PubMed 16267036 (cited by Women's Health and Genetics/Laboratory Corporation of America, LabCorp).

NM_007294.4(BRCA1):c.1508del (p.Lys503fs)

Gene: BRCA1 (BRCA1 DNA repair associated; minus strand). Cytogenetic location: 17q21.31.
Variant type: Deletion.
Coding change: c.1508del on transcript NM_007294.4 (MANE Select); coding-DNA position 1508, one base deleted (A; older notation c.1508delA).
Protein change: p.Lys503fs; shifts the reading frame from lysine 503.
Molecular consequence: frameshift variant. On other transcripts: intron variant (137).
Genome position (GRCh38, 1-based): chr17:43,094,023, T deleted on the plus strand (A on the coding strand, the reverse complement: BRCA1 is on the minus strand); the first of 3 consecutive T bases (chr17:43,094,023-43,094,025); deleting any one gives the same sequence. VCF-style (leftmost placement, unchanged base first): chr17-43094022-CT-C. GRCh37 (hg19) VCF-style: chr17-41246039-CT-C.
Other names: 1627delA; c.1508delA (NM_007294.3); c.1508del, p.Lys503fs (NM_001407622.1, NM_001407623.1, NM_001407624.1 and 30 more transcripts); c.1505del, p.Lys502fs (NM_001407627.1, NM_001407628.1, NM_001407629.1 and 22 more transcripts); c.1499del, p.Lys500fs (NM_001407646.1, NM_001407647.1); c.1385del, p.Lys462fs (NM_001407648.1, NM_001407664.1, NM_001407665.1 and 19 more transcripts); c.1382del, p.Lys461fs (NM_001407649.1, NM_001407670.1, NM_001407671.1 and 11 more transcripts); c.1430del, p.Lys477fs (NM_001407653.1, NM_001407654.1, NM_001407655.1 and 4 more transcripts); and 42 more; short protein forms K503fs, K456fs, K207fs, K375fs, K392fs, K433fs, K455fs, K477fs.
Identifiers: ClinVar variation 54275 (VCV000054275.16), dbSNP rs80357506, ClinGen allele CA001012.